The following is an entry in ClinVar:

NM_017999.5(RNF31):c.1408_1410del (p.Pro470del)

Gene: RNF31 (ring finger protein 31; plus strand). Cytogenetic location: 14q12.
Variant type: Deletion.
Coding change: c.1408_1410del on transcript NM_017999.5 (MANE Select); coding-DNA positions 1408 to 1410, 3 bases deleted (CCC; older notation c.1408_1410delCCC).
Protein change: p.Pro470del; deletes proline 470.
Molecular consequence: inframe deletion.
Genome position (GRCh38, 1-based): chr14:24,150,808-24,150,810, CCC deleted. VCF-style (leftmost placement, unchanged base first): chr14-24150807-GCCC-G. GRCh37 (hg19) VCF-style: chr14-24620016-GCCC-G.
Other names: c.955_957del, p.Pro319del (NM_001310332.2); short protein forms P319del, P470del.
Identifiers: ClinVar variation 3621263 (VCV003621263.2).

ClinVar aggregate classification (germline): Uncertain significance (1 of 4 stars; one submission).

Submission:

Labcorp Genetics (formerly Invitae), Labcorp
Classification: Uncertain significance. Last evaluated: 2026-01-08. Review status: criteria provided, single submitter. Criteria: Invitae Variant Classification Sherloc (09022015). Collection method: clinical testing. Allele origin: germline.
Comment: This variant, c.1408_1410del, results in the deletion of 1 amino acid(s) of the RNF31 protein (p.Pro470del), but otherwise preserves the integrity of the reading frame. This variant is not present in population databases (gnomAD no frequency). This variant has not been reported in the literature in individuals affected with RNF31-related conditions. ClinVar contains an entry for this variant (Variation ID: 3621263). Experimental studies and prediction algorithms are not available or were not evaluated, and the functional significance of this variant is currently unknown. In summary, the available evidence is currently insufficient to determine the role of this variant in disease. Therefore, it has been classified as a Variant of Uncertain Significance.